The following is an entry in ClinVar:

NM_002693.3(POLG):c.967C>T (p.Gln323Ter)

Gene: POLG (DNA polymerase gamma, catalytic subunit; minus strand). Cytogenetic location: 15q26.1.
Variant type: single nucleotide variant.
Coding change: c.967C>T on transcript NM_002693.3 (MANE Select); coding-DNA position 967, C replaced by T.
Protein change: p.Gln323Ter; replaces glutamine 323 with a stop codon.
Molecular consequence: nonsense.
Genome position (GRCh38, 1-based): chr15:89,328,999, G>A on the plus strand (C>T on the coding strand, the complement: POLG is on the minus strand). VCF-style: chr15-89328999-G-A. GRCh37 (hg19) VCF-style: chr15-89872230-G-A.
Other names: c.967C>T, p.Gln323Ter (NM_001126131.2); short protein forms Q323*.
Identifiers: ClinVar variation 2891391 (VCV002891391.5), dbSNP rs2509262137, ClinGen allele CA393765581.

ClinVar aggregate classification (germline): Pathogenic/Likely pathogenic. Review status: criteria provided, multiple submitters, no conflicts (2 of 4 stars). 3 submissions from 3 submitters: Pathogenic (2); Likely pathogenic (1). Last evaluated 2024-09-02.

Conditions:
Progressive sclerosing poliodystrophy (MTDPS4A). Also called: ALPERS PROGRESSIVE INFANTILE POLIODYSTROPHY; NEURONAL DEGENERATION OF CHILDHOOD WITH LIVER DISEASE, PROGRESSIVE; Alpers Syndrome; ALPERS DIFFUSE DEGENERATION OF CEREBRAL GRAY MATTER WITH HEPATIC CIRRHOSIS; Alpers-Huttenlocher Syndrome; Alpers-Huttenlocher Syndrome (AHS). Identifiers: Orphanet 726, MedGen C0205710, MONDO:0008758, OMIM 203700.
POLG-related disorder. Also called: POLG-related condition; POLG-Related Disorders; POLG-Related Spectrum Disorders. Identifiers: MedGen C4763519.
Progressive external ophthalmoplegia with mitochondrial DNA deletions, autosomal dominant 1 (PEOA1). Also called: Autosomal Dominant Progressive External Ophthalmoplegia (adPEO); PROGRESSIVE EXTERNAL OPHTHALMOPLEGIA, AUTOSOMAL DOMINANT 1. Identifiers: MedGen C1834846, MONDO:0024528, OMIM 157640.
Progressive external ophthalmoplegia with mitochondrial DNA deletions, autosomal recessive 1 (PEOB1). Also called: Autosomal Recessive Progressive External Ophthalmoplegia (arPEO); Progressive external ophthalmoplegia, autosomal recessive 1. Identifiers: Orphanet 254886, MedGen C4225153, MONDO:0009783, OMIM 258450.
Mitochondrial DNA depletion syndrome 4b. Also called: Mitochondrial Neurogastrointestinal Encephalopathy Disease, POLG-Related; MNGIE, POLG-RELATED. Identifiers: Orphanet 298, MedGen C3150914, MONDO:0013350, OMIM 613662.
Sensory ataxic neuropathy, dysarthria, and ophthalmoparesis (SANDO). Also called: Epilepsy, progressive myoclonic, type 5; SENSORY ATAXIC NEUROPATHY WITH MITOCHONDRIAL DNA DELETIONS, AUTOSOMAL RECESSIVE; Ataxia Neuropathy Spectrum (ANS); Sensory ataxic neuropathy-dysarthria-ophthalmoparesis syndrome. Identifiers: Orphanet 70595, MedGen C1843851, MONDO:0011835, OMIM 607459.

Submissions (3):

Myriad Genetics, Inc.
Classification: Pathogenic for POLG-related disorder. Last evaluated: 2024-09-02. Review status: criteria provided, single submitter. Criteria: Myriad Autosomal Dominant, Autosomal Recessive and X-Linked Classification Criteria (2023). Collection method: clinical testing. Allele origin: unknown.
Comment: NM_002693.2(POLG):c.967C>T(Q323*) is expected to be pathogenic in the context of POLG-related disorders. This variant is predicted to lead to an abnormal or absent protein product due to the creation of a premature termination codon in POLG, a gene where loss-of-function variants are known to be pathogenic. Please note: this variant was assessed in the context of healthy population screening.

Fulgent Genetics
Classification: Likely pathogenic for Progressive external ophthalmoplegia with mitochondrial DNA deletions, autosomal dominant 1; Progressive sclerosing poliodystrophy; Progressive external ophthalmoplegia with mitochondrial DNA deletions, autosomal recessive 1; Sensory ataxic neuropathy, dysarthria, and ophthalmoparesis; Mitochondrial DNA depletion syndrome 4b. Last evaluated: 2024-06-07. Review status: criteria provided, single submitter. Criteria: ACMG Guidelines, 2015. Collection method: clinical testing. Allele origin: germline.

Labcorp Genetics (formerly Invitae), Labcorp
Classification: Pathogenic for Progressive sclerosing poliodystrophy. Last evaluated: 2022-11-03. Review status: criteria provided, single submitter. Criteria: Invitae Variant Classification Sherloc (09022015). Collection method: clinical testing. Allele origin: germline.
Comment: For these reasons, this variant has been classified as Pathogenic. This variant has not been reported in the literature in individuals affected with POLG-related conditions. This variant is not present in population databases (gnomAD no frequency). This sequence change creates a premature translational stop signal (p.Gln323*) in the POLG gene. It is expected to result in an absent or disrupted protein product. Loss-of-function variants in POLG are known to be pathogenic (PMID: 18546365).

Literature cited by the submitters: PubMed 18546365 (cited by Labcorp Genetics (formerly Invitae), Labcorp).